The following is an entry in ClinVar:

ClinVar aggregate classification (germline): Pathogenic/Likely pathogenic. Review status: criteria provided, multiple submitters, no conflicts (2 of 4 stars). 4 submissions from 4 submitters: Pathogenic (3); Likely pathogenic (1). Last evaluated 2023-12-18.

Conditions:
Rhabdoid tumor predisposition syndrome 2 (RTPS2). Identifiers: Orphanet 231108, Orphanet 69077, MedGen C2750074, MONDO:0013224, OMIM 613325.
Intellectual disability, autosomal dominant 16 (CSS4). Also called: COFFIN-SIRIS SYNDROME 4. Identifiers: Orphanet 1465, MedGen C3553249, MONDO:0013821, OMIM 614609.

Submissions (4):

GeneDx
Classification: Pathogenic. Last evaluated: 2023-12-18. Review status: criteria provided, single submitter. Criteria: GeneDx Variant Classification Process June 2021. Collection method: clinical testing. Allele origin: germline. Affected: yes.
Comment: Not observed at significant frequency in large population cohorts (gnomAD); In silico analysis supports that this missense variant has a deleterious effect on protein structure/function; This variant is associated with the following publications: (PMID: 36453962, 24658002, 35122417, 32686290)

Labcorp Genetics (formerly Invitae), Labcorp
Classification: Pathogenic for Rhabdoid tumor predisposition syndrome 2. Last evaluated: 2022-12-24. Review status: criteria provided, single submitter. Criteria: Invitae Variant Classification Sherloc (09022015). Collection method: clinical testing. Allele origin: germline.
Comment: This missense change has been observed in individual(s) with Coffin-Siris syndrome (PMID: 32686290). In at least one individual the variant was observed to be de novo. ClinVar contains an entry for this variant (Variation ID: 403671). Advanced modeling of protein sequence and biophysical properties (such as structural, functional, and spatial information, amino acid conservation, physicochemical variation, residue mobility, and thermodynamic stability) performed at Invitae indicates that this missense variant is expected to disrupt SMARCA4 protein function. For these reasons, this variant has been classified as Pathogenic. This variant is not present in population databases (gnomAD no frequency). This sequence change replaces glycine, which is neutral and non-polar, with arginine, which is basic and polar, at codon 951 of the SMARCA4 protein (p.Gly951Arg).

3billion
Classification: Likely pathogenic for Intellectual disability, autosomal dominant 16. Last evaluated: 2022-05-22. Review status: criteria provided, single submitter. Criteria: ACMG Guidelines, 2015. Collection method: clinical testing. Allele origin: germline. Affected: yes. Observed: 1 heterozygote.
Comment: The variant is not observed in the gnomAD v2.1.1 dataset. Missense changes are a common disease-causing mechanism. In silico tool predictions suggest damaging effect of the variant on gene or gene product (REVEL: 0.77; 3Cnet: 0.57). Same nucleotide change resulting in same amino acid change has been previously reported to be associated with SMARCA4 related disorder (ClinVar ID: VCV000403671 / PMID: 32686290). Therefore, this variant is classified as likely pathogenic according to the recommendation of ACMG/AMP guideline.

HudsonAlpha Institute for Biotechnology
Classification: Pathogenic for Intellectual disability, autosomal dominant 16. Last evaluated: 2017-03-09. Review status: criteria provided, single submitter. Criteria: HA_assertions_20161101. Collection method: research. Allele origin: de novo. Affected: yes. Observed: 1 variant allele. Study: CSER-HudsonAlpha.

Literature cited by the submitters: PubMed 32686290 (cited by Labcorp Genetics (formerly Invitae), Labcorp and 3billion).

NM_003072.5(SMARCA4):c.2851G>A (p.Gly951Arg)

Gene: SMARCA4 (SWI/SNF related BAF chromatin remodeling complex subunit ATPase 4; plus strand). Cytogenetic location: 19p13.2.
Variant type: single nucleotide variant.
Coding change: c.2851G>A on transcript NM_003072.5 (MANE Select); coding-DNA position 2851, G replaced by A.
Protein change: p.Gly951Arg; replaces glycine 951 with arginine.
Molecular consequence: missense variant. On other transcripts: non-coding transcript variant (1).
Genome position (GRCh38, 1-based): chr19:11,021,959, G>A. VCF-style: chr19-11021959-G-A. GRCh37 (hg19) VCF-style: chr19-11132635-G-A.
Other names: c.2851G>A (NM_001128849.1); c.2851G>A, p.Gly951Arg (NM_001128844.3, NM_001128845.2, NM_001128846.2 and 5 more transcripts); short protein forms G951R.
Identifiers: ClinVar variation 403671 (VCV000403671.6), dbSNP rs1060499936, ClinGen allele CA16609826.